The following is an entry in ClinVar:

NM_201596.3(CACNB2):c.1169C>T (p.Ala390Val)

Gene: CACNB2 (calcium voltage-gated channel auxiliary subunit beta 2; plus strand). Cytogenetic location: 10p12.31.
Variant type: single nucleotide variant.
Coding change: c.1169C>T on transcript NM_201596.3 (MANE Select); coding-DNA position 1169, C replaced by T.
Protein change: p.Ala390Val; replaces alanine 390 with valine.
Molecular consequence: missense variant.
Genome position (GRCh38, 1-based): chr10:18,534,190, C>T. VCF-style: chr10-18534190-C-T. GRCh37 (hg19) VCF-style: chr10-18823119-C-T.
Other names: c.1004C>T, p.Ala335Val (NM_000724.4); c.971C>T, p.Ala324Val (NM_001167945.2); c.890C>T, p.Ala297Val (NM_001330060.2); c.911C>T, p.Ala304Val (NM_001410882.1); c.1025C>T, p.Ala342Val (NM_201570.3); c.1085C>T, p.Ala362Val (NM_201571.4); c.1013C>T, p.Ala338Val (NM_201572.4); c.1007C>T, p.Ala336Val (NM_201590.3); and 2 more; short protein forms A304V, A338V, A342V, A336V, A297V, A362V, A390V, A324V.
Identifiers: ClinVar variation 5033652 (VCV005033652.1).
Genomic context (GRCh38, chr10:18,534,190, plus strand): 5'-TGGTGGTCCTTGACGCGGATACAATTAATCATCCAGCTCAACTCAGTAAAACCTCCTTGG[C>T]CCCTATTATAGTATATGTAAAGATTTCTTCTCCTAAGGTAAGTAGGACTGCTACTGTTTG-3'
Protein context (NP_963890.2, residues 380-400): HPAQLSKTSL[Ala390Val]PIIVYVKISS

ClinVar aggregate classification (germline): Uncertain significance (1 of 4 stars; one submission).

Conditions:
Cardiovascular phenotype. Identifiers: MedGen CN230736.

gnomAD v4.1: 7 of 1,613,258 alleles (0.00043%); highest among the groups gnomAD compares: Non-Finnish European, 0.00059%; no homozygotes.

Submission:

Ambry Genetics
Classification: Uncertain significance for Cardiovascular phenotype. Last evaluated: 2026-07-19. Review status: criteria provided, single submitter. Criteria: Ambry Variant Classification Scheme 2023. Collection method: clinical testing. Allele origin: germline.
Comment: The p.A336V variant (also known as c.1007C>T), located in coding exon 10 of the CACNB2 gene, results from a C to T substitution at nucleotide position 1007. The alanine at codon 336 is replaced by valine, an amino acid with similar properties. This amino acid position is conserved. In addition, this alteration is predicted to be deleterious by in silico analysis. Based on the available evidence, the clinical significance of this variant remains unclear.